The following is an entry in ClinVar:

ClinVar aggregate classification (germline): Uncertain significance (1 of 4 stars; one submission).

Allele frequency attached by ClinVar (database versions not stated): ExAC 0.00001; gnomAD exomes 0.00001.
gnomAD v4.1: 11 of 1,613,870 alleles (0.00068%); highest among the groups gnomAD compares: Middle Eastern, 0.017%; no homozygotes.

Submission:

Labcorp Genetics (formerly Invitae), Labcorp
Classification: Uncertain significance. Last evaluated: 2022-04-18. Review status: criteria provided, single submitter. Criteria: Invitae Variant Classification Sherloc (09022015). Collection method: clinical testing. Allele origin: germline.
Comment: In summary, the available evidence is currently insufficient to determine the role of this variant in disease. Therefore, it has been classified as a Variant of Uncertain Significance. Algorithms developed to predict the effect of missense changes on protein structure and function are either unavailable or do not agree on the potential impact of this missense change (SIFT: "Tolerated"; PolyPhen-2: "Possibly Damaging"; Align-GVGD: "Class C0"). This missense change has been observed in individual(s) with autism spectrum disorder (PMID: 28714951, 31785789). This variant is present in population databases (rs767810845, gnomAD 0.0009%). This sequence change replaces alanine, which is neutral and non-polar, with threonine, which is neutral and polar, at codon 1004 of the SBF1 protein (p.Ala1004Thr).

Literature cited by the submitters: PubMed 28714951; PubMed 31785789.

NM_002972.4(SBF1):c.3010G>A (p.Ala1004Thr)

Gene: SBF1 (SET binding factor 1; minus strand). Cytogenetic location: 22q13.33.
Variant type: single nucleotide variant.
Coding change: c.3010G>A on transcript NM_002972.4 (MANE Select); coding-DNA position 3010, G replaced by A.
Protein change: p.Ala1004Thr; replaces alanine 1004 with threonine.
Molecular consequence: missense variant.
Genome position (GRCh38, 1-based): chr22:50,460,670, C>T on the plus strand (G>A on the coding strand, the complement: SBF1 is on the minus strand). VCF-style: chr22-50460670-C-T. GRCh37 (hg19) VCF-style: chr22-50899099-C-T.
Other names: c.3013G>A, p.Ala1005Thr (NM_001365819.1, NM_001410794.1); c.3010G>A, p.Ala1004Thr (NM_001410795.1, NM_197971.1); short protein forms A1004T, A1005T.
Identifiers: ClinVar variation 1929558 (VCV001929558.5), dbSNP rs767810845, ClinGen allele CA10316917.